The following is an entry in ClinVar:

ClinVar aggregate classification (germline): Uncertain significance (1 of 4 stars; one submission).

Conditions:
Arrhythmogenic right ventricular dysplasia 8 (ARVD8). Also called: Arrhythmogenic Right Ventricular Dysplasia/Cardiomyopathy 8; ARRHYTHMOGENIC RIGHT VENTRICULAR DYSPLASIA, FAMILIAL, 8; ARRHYTHMOGENIC RIGHT VENTRICULAR CARDIOMYOPATHY 8. Identifiers: MedGen C1843896, MONDO:0011831, OMIM 607450.
Arrhythmogenic cardiomyopathy with wooly hair and keratoderma. Also called: Carvajal syndrome; PALMOPLANTAR KERATODERMA WITH LEFT VENTRICULAR CARDIOMYOPATHY AND WOOLLY HAIR; Dilated cardiomyopathy with woolly hair and keratoderma; Arrhythmogenic cardiomyopathy with woolly hair and keratoderma. Identifiers: Orphanet 65282, MedGen C1854063, MONDO:0011581, OMIM 605676.

Submission:

Labcorp Genetics (formerly Invitae), Labcorp
Classification: Uncertain significance for Arrhythmogenic cardiomyopathy with wooly hair and keratoderma; Arrhythmogenic right ventricular dysplasia 8. Last evaluated: 2021-12-02. Review status: criteria provided, single submitter. Criteria: Invitae Variant Classification Sherloc (09022015). Collection method: clinical testing. Allele origin: germline.
Comment: This sequence change replaces glutamic acid, which is acidic and polar, with lysine, which is basic and polar, at codon 1333 of the DSP protein (p.Glu1333Lys). This variant is not present in population databases (gnomAD no frequency). This variant has not been reported in the literature in individuals affected with DSP-related conditions. Algorithms developed to predict the effect of missense changes on protein structure and function (SIFT, PolyPhen-2, Align-GVGD) all suggest that this variant is likely to be tolerated. In summary, the available evidence is currently insufficient to determine the role of this variant in disease. Therefore, it has been classified as a Variant of Uncertain Significance.

NM_004415.4(DSP):c.3997G>A (p.Glu1333Lys)

Gene: DSP (desmoplakin; plus strand). Cytogenetic location: 6p24.3.
Variant type: single nucleotide variant.
Coding change: c.3997G>A on transcript NM_004415.4 (MANE Select); coding-DNA position 3997, G replaced by A.
Protein change: p.Glu1333Lys; replaces glutamic acid 1333 with lysine.
Molecular consequence: missense variant. On other transcripts: intron variant (1).
Genome position (GRCh38, 1-based): chr6:7,580,187, G>A. VCF-style: chr6-7580187-G-A. GRCh37 (hg19) VCF-style: chr6-7580420-G-A.
Other names: c.3997G>A, p.Glu1333Lys (NM_001319034.2); c.3582+415G>A (NM_001008844.3); short protein forms E1333K.
Identifiers: ClinVar variation 1359555 (VCV001359555.6), dbSNP rs2113693124, ClinGen allele CA362685315.
Genomic context (GRCh38, chr6:7,580,187, plus strand): 5'-CTGGAGGAGGCTGCCAAGACCATTCAGGACAAAAATAAGGAGATCGAGAGACTCAAAGCT[G>A]AGTTTCAGGAGGAGGCCAAGCGCCGCTGGGAATATGAAAATGAACTGAGTAAGGTAAGAA-3'
Protein context (NP_004406.2, residues 1323-1343): KNKEIERLKA[Glu1333Lys]FQEEAKRRWE